The following is an entry in ClinVar:

NM_005751.5(AKAP9):c.7838G>A (p.Ser2613Asn)

Gene: AKAP9 (A-kinase anchoring protein 9; plus strand). Cytogenetic location: 7q21.2.
Variant type: single nucleotide variant.
Coding change: c.7838G>A on transcript NM_005751.5 (MANE Select); coding-DNA position 7838, G replaced by A.
Protein change: p.Ser2613Asn; replaces serine 2613 with asparagine.
Molecular consequence: missense variant.
Genome position (GRCh38, 1-based): chr7:92,079,971, G>A. VCF-style: chr7-92079971-G-A. GRCh37 (hg19) VCF-style: chr7-91709285-G-A.
Other names: c.2483G>A, p.Ser828Asn (NM_001379277.1); c.7814G>A, p.Ser2605Asn (NM_147185.3); short protein forms S828N, S2605N, S2613N.
Identifiers: ClinVar variation 3517051 (VCV003517051.1).

ClinVar aggregate classification (germline): Uncertain significance (1 of 4 stars; one submission).

Conditions:
Cardiovascular phenotype. Identifiers: MedGen CN230736.

gnomAD v4.1: 23 of 1,584,098 alleles (0.0015%); highest among the groups gnomAD compares: Non-Finnish European, 0.002%; no homozygotes.

Submission:

Ambry Genetics
Classification: Uncertain significance for Cardiovascular phenotype. Last evaluated: 2024-10-27. Review status: criteria provided, single submitter. Criteria: Ambry Variant Classification Scheme 2023. Collection method: clinical testing. Allele origin: germline.
Comment: The p.S2613N variant (also known as c.7838G>A), located in coding exon 31 of the AKAP9 gene, results from a G to A substitution at nucleotide position 7838. The serine at codon 2613 is replaced by asparagine, an amino acid with highly similar properties. This amino acid position is conserved. In addition, this alteration is predicted to be tolerated by in silico analysis. Based on the available evidence, the clinical significance of this variant remains unclear.